The following is an entry in ClinVar:

NM_020975.6(RET):c.1971C>G (p.Ile657Met)

Gene: RET (ret proto-oncogene; plus strand). Cytogenetic location: 10q11.21.
Variant type: single nucleotide variant.
Coding change: c.1971C>G on transcript NM_020975.6 (MANE Select); coding-DNA position 1971, C replaced by G.
Protein change: p.Ile657Met; replaces isoleucine 657 with methionine.
Molecular consequence: missense variant.
Genome position (GRCh38, 1-based): chr10:43,114,571, C>G. VCF-style: chr10-43114571-C-G. GRCh37 (hg19) VCF-style: chr10-43610019-C-G.
Other names: c.1971C>G, p.Ile657Met (NM_000323.2, NM_001406743.1, NM_001406744.1 and 4 more transcripts); c.1209C>G, p.Ile403Met (NM_001355216.2); c.1842C>G, p.Ile614Met (NM_001406761.1, NM_001406762.1, NM_001406764.1); c.1683C>G, p.Ile561Met (NM_001406766.1, NM_001406767.1, NM_001406770.1); c.1575C>G, p.Ile525Met (NM_001406769.1, NM_001406772.1); c.1533C>G, p.Ile511Met (NM_001406771.1, NM_001406773.1); c.1446C>G, p.Ile482Met (NM_001406774.1); c.1245C>G, p.Ile415Met (NM_001406775.1, NM_001406776.1, NM_001406777.1 and 1 more transcripts); and 7 more; short protein forms I403M, I657M, I318M, I415M, I174M, I358M, I561M, I614M.
Identifiers: ClinVar variation 1061735 (VCV001061735.10), dbSNP rs2132848081, ClinGen allele CA376553043.
Genomic context (GRCh38, chr10:43,114,571, plus strand): 5'-GATCGCAGCCGCTGTCCTCTTCTCCTTCATCGTCTCGGTGCTGCTGTCTGCCTTCTGCAT[C>G]CACTGCTACCACAAGTTTGCCCACAAGCCACCCATCTCCTCAGCTGAGATGACCTTCCGG-3'
Protein context (NP_066124.1, residues 647-667): IVSVLLSAFC[Ile657Met]HCYHKFAHKP

ClinVar aggregate classification (germline): Uncertain significance (1 of 4 stars; one submission).

Conditions:
Multiple endocrine neoplasia, type 2 (MEN2). Identifiers: Orphanet 653, MedGen C4048306, MONDO:0019003. Disease mechanism: gain of function.

Submission:

Labcorp Genetics (formerly Invitae), Labcorp
Classification: Uncertain significance for Multiple endocrine neoplasia, type 2. Last evaluated: 2022-08-31. Review status: criteria provided, single submitter. Criteria: Invitae Variant Classification Sherloc (09022015). Collection method: clinical testing. Allele origin: germline.
Comment: This sequence change replaces isoleucine, which is neutral and non-polar, with methionine, which is neutral and non-polar, at codon 657 of the RET protein (p.Ile657Met). In summary, the available evidence is currently insufficient to determine the role of this variant in disease. Therefore, it has been classified as a Variant of Uncertain Significance. Algorithms developed to predict the effect of missense changes on protein structure and function are either unavailable or do not agree on the potential impact of this missense change (SIFT: "Deleterious"; PolyPhen-2: "Benign"; Align-GVGD: "Class C0"). ClinVar contains an entry for this variant (Variation ID: 1061735). This variant has not been reported in the literature in individuals affected with RET-related conditions. This variant is not present in population databases (gnomAD no frequency).